The following is an entry in ClinVar:

NM_000709.4(BCKDHA):c.63C>G (p.Ala21=)

Gene: BCKDHA (branched chain keto acid dehydrogenase E1 subunit alpha; plus strand). Cytogenetic location: 19q13.2.
Variant type: single nucleotide variant.
Coding change: c.63C>G on transcript NM_000709.4 (MANE Select); coding-DNA position 63, C replaced by G.
Protein change: p.Ala21=; no amino-acid change (alanine 21 retained).
Molecular consequence: synonymous variant.
Genome position (GRCh38, 1-based): chr19:41,397,890, C>G. VCF-style: chr19-41397890-C-G. GRCh37 (hg19) VCF-style: chr19-41903795-C-G.
Other names: c.63C>G, p.Ala21= (NM_001164783.2).
Identifiers: ClinVar variation 384774 (VCV000384774.10), dbSNP rs140322984, ClinGen allele CA9460974.
Genomic context (GRCh38, chr19:41,397,890, plus strand): 5'-GGCGGTAGCGATCGCTGCAGCGAGGGTCTGGCGGCTAAACCGTGGTTTGAGCCAGGCTGC[C>G]CTCCTGCTGCTGCGGCAGCCTGGGGCTCGGGGACTGGCTAGATCTGTGAGTACCTGGGCC-3'
Protein context (NP_000700.1, residues 11-31): WRLNRGLSQA[Ala21=]LLLLRQPGAR

ClinVar aggregate classification (germline): Likely benign. Review status: criteria provided, multiple submitters, no conflicts (2 of 4 stars). 3 submissions from 3 submitters: Likely benign (3). Last evaluated 2026-01-28.

Conditions:
Inborn genetic diseases. Identifiers: MedGen C0950123, MeSH D030342.
Maple syrup urine disease (MSUD). Identifiers: Orphanet 511, MedGen C0024776, MeSH D008375, MONDO:0009563. Disease mechanism: loss of function.

Allele frequency attached by ClinVar (database versions not stated): TOPMed 0.00003.
gnomAD v4.1: 82 of 1,613,986 alleles (0.0051%); highest among the groups gnomAD compares: Non-Finnish European, 0.0067%; no homozygotes.

Submissions (3):

Labcorp Genetics (formerly Invitae), Labcorp
Classification: Likely benign for Maple syrup urine disease. Last evaluated: 2026-01-28. Review status: criteria provided, single submitter. Criteria: Invitae Variant Classification Sherloc (09022015). Collection method: clinical testing. Allele origin: germline.

Ambry Genetics
Classification: Likely benign for Inborn genetic diseases. Last evaluated: 2024-11-23. Review status: criteria provided, single submitter. Criteria: Ambry Variant Classification Scheme 2023. Collection method: clinical testing. Allele origin: germline.

GeneDx
Classification: Likely benign. Last evaluated: 2016-03-31. Review status: criteria provided, single submitter. Criteria: GeneDx Variant Classification (06012015). Collection method: clinical testing. Allele origin: germline. Affected: yes.
Comment: This variant is considered likely benign or benign based on one or more of the following criteria: it is a conservative change, it occurs at a poorly conserved position in the protein, it is predicted to be benign by multiple in silico algorithms, and/or has population frequency not consistent with disease.